The following is an entry in ClinVar:

ClinVar aggregate classification (germline): Pathogenic/Likely pathogenic. Review status: criteria provided, multiple submitters, no conflicts (2 of 4 stars). 4 submissions from 4 submitters: Pathogenic (3); Likely pathogenic (1). Last evaluated 2025-07-21.

Conditions:
OCA2-related disorder. Also called: OCA2-related condition.
Tyrosinase-positive oculocutaneous albinism (OCA2). Also called: ALBINISM II; Albinism, oculocutaneous, type II; Oculocutaneous albinism type 2. Identifiers: Orphanet 79432, MedGen C0268495, MONDO:0008746, OMIM 203200.
SKIN/HAIR/EYE PIGMENTATION 1, BLUE/NONBLUE EYES (SHEP1). Also called: BROWN EYE COLOR 2; SKIN/HAIR/EYE PIGMENTATION 1, BLOND/BROWN HAIR; SKIN/HAIR/EYE PIGMENTATION 1, BLUE/BROWN EYES; EYE COLOR 3; EYE COLOR, BLUE/NONBLUE; EYE COLOR, BROWN/BLUE. Identifiers: MedGen C1856895, OMIM 227220.

Submissions (4):

Labcorp Genetics (formerly Invitae), Labcorp
Classification: Pathogenic. Last evaluated: 2025-07-21. Review status: criteria provided, single submitter. Criteria: Invitae Variant Classification Sherloc (09022015). Collection method: clinical testing. Allele origin: germline.
Comment: This sequence change creates a premature translational stop signal (p.Leu317*) in the OCA2 gene. It is expected to result in an absent or disrupted protein product. Loss-of-function variants in OCA2 are known to be pathogenic (PMID: 19865097, 21541274). This variant is present in population databases (rs747395624, gnomAD 0.002%). This variant has not been reported in the literature in individuals affected with OCA2-related conditions. ClinVar contains an entry for this variant (Variation ID: 1417098). For these reasons, this variant has been classified as Pathogenic.

Fulgent Genetics
Classification: Pathogenic for Tyrosinase-positive oculocutaneous albinism; SKIN/HAIR/EYE PIGMENTATION 1, BLUE/NONBLUE EYES. Last evaluated: 2024-03-21. Review status: criteria provided, single submitter. Criteria: ACMG Guidelines, 2015. Collection method: clinical testing. Allele origin: germline.

Clinical Genomics Laboratory, Washington University in St. Louis
Classification: Pathogenic for Tyrosinase-positive oculocutaneous albinism. Last evaluated: 2023-10-31. Review status: criteria provided, single submitter. Criteria: ACMG Guidelines, 2015. Collection method: clinical testing. Allele origin: germline. Affected: yes.
Comment: The OCA2 c.950del (p.Leu317Ter) variant, to our knowledge, has not been reported in the medical literature but has been reported in the ClinVar database as a germline pathogenic variant by one submitter. This variant causes a frameshift by deleting a single nucleotide, leading to an immediate premature termination codon, which is predicted to lead to nonsense mediated decay. Additionally, other variants that introduce a premature termination codon in this region have been described in affected individuals and are considered pathogenic (Okamura K and Suzuki T. PMID: 32969595). Based on available information and the ACMG/AMP guidelines for variant interpretation (Richards S et al., PMID: 25741868), this variant is classified as pathogenic.

Blueprint Genetics
Classification: Likely pathogenic for OCA2-related disorders. Last evaluated: 2022-06-30. Review status: criteria provided, single submitter. Criteria: ACMG Guidelines, 2015. Collection method: clinical testing. Allele origin: germline. Affected: yes. Observed: 2 variant alleles.

Literature cited by the submitters: PubMed 19865097 (cited by Labcorp Genetics (formerly Invitae), Labcorp); PubMed 21541274 (cited by Labcorp Genetics (formerly Invitae), Labcorp).

NM_000275.3(OCA2):c.950del (p.Leu316_Leu317insTer)

Gene: OCA2 (OCA2 melanosomal transmembrane protein; minus strand). Cytogenetic location: 15q13.1.
Variant type: Deletion.
Coding change: c.950del on transcript NM_000275.3 (MANE Select); coding-DNA position 950, one base deleted (T; older notation c.950delT).
Protein change: p.Leu316_Leu317insTer.
Molecular consequence: nonsense.
Genome position (GRCh38, 1-based): chr15:28,014,870, A deleted on the plus strand (T on the coding strand, the reverse complement: OCA2 is on the minus strand); the first of 4 consecutive A bases (chr15:28,014,870-28,014,873); deleting any one gives the same sequence. VCF-style (leftmost placement, unchanged base first): chr15-28014869-CA-C. GRCh37 (hg19) VCF-style: chr15-28260015-CA-C.
Other names: c.950del, p.Leu316_Leu317insTer (NM_001300984.2).
Identifiers: ClinVar variation 1417098 (VCV001417098.8), dbSNP rs747395624, ClinGen allele CA7439285.